The following is an entry in ClinVar:

NM_001374385.1(ATP8B1):c.631G>C (p.Asp211His)

Gene: ATP8B1 (ATPase phospholipid transporting 8B1; minus strand). Cytogenetic location: 18q21.31.
Variant type: single nucleotide variant.
Coding change: c.631G>C on transcript NM_001374385.1 (MANE Select); coding-DNA position 631, G replaced by C.
Protein change: p.Asp211His; replaces aspartic acid 211 with histidine.
Molecular consequence: missense variant.
Genome position (GRCh38, 1-based): chr18:57,697,685, C>G on the plus strand (G>C on the coding strand, the complement: ATP8B1 is on the minus strand). VCF-style: chr18-57697685-C-G. GRCh37 (hg19) VCF-style: chr18-55364917-C-G.
Other names: c.481G>C, p.Asp161His (NM_001374386.1); c.631G>C, p.Asp211His (NM_005603.6); c.631G>C (NM_005603.4); short protein forms D161H, D211H.
Identifiers: ClinVar variation 4810207 (VCV004810207.2).

ClinVar aggregate classification (germline): Uncertain significance. Review status: criteria provided, multiple submitters, no conflicts (2 of 4 stars). 2 submissions from 2 submitters: Uncertain significance (2). Last evaluated 2025-06-11.

Conditions:
ATP8B1-related disorder. Also called: ATP8B1-related disorders; ATP8B1-related condition.

gnomAD v4.1: 1 of 1,614,040 alleles (0.000062%); highest among the groups gnomAD compares: Non-Finnish European, 0.000085%; no homozygotes.

Submissions (2):

Labcorp Genetics (formerly Invitae), Labcorp
Classification: Uncertain significance. Last evaluated: 2025-06-11. Review status: criteria provided, single submitter. Criteria: Invitae Variant Classification Sherloc (09022015). Collection method: clinical testing. Allele origin: germline.
Comment: This sequence change replaces aspartic acid, which is acidic and polar, with histidine, which is basic and polar, at codon 211 of the ATP8B1 protein (p.Asp211His). This variant is not present in population databases (gnomAD no frequency). This variant has not been reported in the literature in individuals affected with ATP8B1-related conditions. Invitae Evidence Modeling of protein sequence and biophysical properties (such as structural, functional, and spatial information, amino acid conservation, physicochemical variation, residue mobility, and thermodynamic stability) indicates that this missense variant is expected to disrupt ATP8B1 protein function with a positive predictive value of 80%. In summary, the available evidence is currently insufficient to determine the role of this variant in disease. Therefore, it has been classified as a Variant of Uncertain Significance.

PreventionGenetics, part of Exact Sciences
Classification: Uncertain significance for ATP8B1-related condition. Last evaluated: 2025-05-21. Review status: criteria provided, single submitter. Criteria: ACMG Guidelines, 2015. Collection method: clinical testing. Allele origin: germline.
Comment: The ATP8B1 c.631G>C variant is predicted to result in the amino acid substitution p.Asp211His. To our knowledge, this variant has not been reported in the literature or in a large population database (gnomAD), indicating this variant is rare. At this time, the clinical significance of this variant is uncertain due to the absence of conclusive functional and genetic evidence.